The following is an entry in ClinVar:

NM_021999.5(ITM2B):c.43G>A (p.Ala15Thr)

Genes: ITM2B (integral membrane protein 2B; plus strand), LOC130009751 (ATAC-STARR-seq lymphoblastoid silent region 5331; plus strand). Cytogenetic location: 13q14.2.
Variant type: single nucleotide variant.
Coding change: c.43G>A on transcript NM_021999.5 (MANE Select); coding-DNA position 43, G replaced by A.
Protein change: p.Ala15Thr; replaces alanine 15 with threonine.
Molecular consequence: missense variant.
Genome position (GRCh38, 1-based): chr13:48,233,403, G>A. VCF-style: chr13-48233403-G-A. GRCh37 (hg19) VCF-style: chr13-48807539-G-A.
Other names: short protein forms A15T.
Identifiers: ClinVar variation 2871974 (VCV002871974.3), dbSNP rs11556905, ClinGen allele CA249834408.

ClinVar aggregate classification (germline): Uncertain significance (1 of 4 stars; one submission).

Allele frequency attached by ClinVar (database versions not stated): gnomAD exomes below 0.00001.
gnomAD v4.1: 1 of 1,563,690 alleles (0.000064%); highest among the groups gnomAD compares: Non-Finnish European, 0.000086%; no homozygotes.

Submission:

Labcorp Genetics (formerly Invitae), Labcorp
Classification: Uncertain significance. Last evaluated: 2024-10-03. Review status: criteria provided, single submitter. Criteria: Invitae Variant Classification Sherloc (09022015). Collection method: clinical testing. Allele origin: germline.
Comment: This sequence change replaces alanine, which is neutral and non-polar, with threonine, which is neutral and polar, at codon 15 of the ITM2B protein (p.Ala15Thr). This variant is not present in population databases (gnomAD no frequency). This variant has not been reported in the literature in individuals affected with ITM2B-related conditions. An algorithm developed to predict the effect of missense changes on protein structure and function outputs the following: PolyPhen-2: "Benign". The threonine amino acid residue is found in multiple mammalian species, which suggests that this missense change does not adversely affect protein function. In summary, the available evidence is currently insufficient to determine the role of this variant in disease. Therefore, it has been classified as a Variant of Uncertain Significance.